The following is an entry in ClinVar:

ClinVar aggregate classification (germline): Conflicting classifications of pathogenicity. Review status: criteria provided, conflicting classifications (1 of 4 stars). 5 submissions from 5 submitters: Uncertain significance (3); Benign (1); Likely benign (1). Last evaluated 2025-06-16.

Conditions:
Hereditary cancer-predisposing syndrome. Also called: Tumor predisposition; Neoplastic Syndromes, Hereditary; Hereditary neoplastic syndrome; Hereditary Cancer Syndrome. Identifiers: Orphanet 140162, MedGen C0027672, MeSH D009386, MONDO:0015356.
BAP1-related tumor predisposition syndrome (TPDS1). Also called: COMMON Syndrome; Tumor susceptibility linked to germline BAP1 mutations; TUMOR PREDISPOSITION SYNDROME 1; BAP1 tumor predisposition syndrome. Identifiers: Orphanet 289539, MedGen C3280492, MONDO:0013692, OMIM 614327.

Allele frequency attached by ClinVar (database versions not stated): gnomAD exomes below 0.00001 and 0.00001.
gnomAD v4.1: 6 of 1,614,060 alleles (0.00037%); highest among the groups gnomAD compares: Non-Finnish European, 0.00051%; no homozygotes.

Submissions (5):

Labcorp Genetics (formerly Invitae), Labcorp
Classification: Uncertain significance for BAP1-related tumor predisposition syndrome. Last evaluated: 2025-06-16. Review status: criteria provided, single submitter. Criteria: Invitae Variant Classification Sherloc (09022015). Collection method: clinical testing. Allele origin: germline.
Comment: This sequence change replaces isoleucine, which is neutral and non-polar, with valine, which is neutral and non-polar, at codon 353 of the BAP1 protein (p.Ile353Val). This variant is present in population databases (no rsID available, gnomAD 0.002%). This variant has not been reported in the literature in individuals affected with BAP1-related conditions. ClinVar contains an entry for this variant (Variation ID: 848981). Invitae Evidence Modeling of protein sequence and biophysical properties (such as structural, functional, and spatial information, amino acid conservation, physicochemical variation, residue mobility, and thermodynamic stability) indicates that this missense variant is not expected to disrupt BAP1 protein function with a negative predictive value of 80%. In summary, the available evidence is currently insufficient to determine the role of this variant in disease. Therefore, it has been classified as a Variant of Uncertain Significance.

Ambry Genetics
Classification: Benign for Hereditary cancer-predisposing syndrome. Last evaluated: 2025-05-12. Review status: criteria provided, single submitter. Criteria: Ambry Variant Classification Scheme 2023. Collection method: clinical testing. Allele origin: germline.

Myriad Genetics, Inc.
Classification: Likely benign for BAP1-related tumor predisposition syndrome. Last evaluated: 2024-07-15. Review status: criteria provided, single submitter. Criteria: Myriad Autosomal Dominant, Autosomal Recessive and X-Linked Classification Criteria (2023). Collection method: clinical testing. Allele origin: unknown.
Comment: This variant is considered likely benign. This variant has been observed at a population frequency that is significantly greater than expected given the associated disease prevalence and penetrance.

Baylor Genetics
Classification: Uncertain significance for BAP1-related tumor predisposition syndrome. Last evaluated: 2024-01-17. Review status: criteria provided, single submitter. Criteria: ACMG Guidelines, 2015. Collection method: clinical testing. Allele origin: unknown.

GeneDx
Classification: Uncertain significance. Last evaluated: 2019-05-13. Review status: criteria provided, single submitter. Criteria: GeneDx Variant Classification Process June 2021. Collection method: clinical testing. Allele origin: germline. Affected: yes.
Comment: Not observed at a significant frequency in large population cohorts (Lek 2016); In silico analysis, which includes protein predictors and evolutionary conservation, supports that this variant does not alter protein structure/function; Has not been previously published as pathogenic or benign to our knowledge

Literature cited by the submitters: PubMed 38969833 (cited by Ambry Genetics).

NM_004656.4(BAP1):c.1057A>G (p.Ile353Val)

Gene: BAP1 (BRCA1 associated deubiquitinase 1; minus strand). Cytogenetic location: 3p21.1.
Variant type: single nucleotide variant.
Coding change: c.1057A>G on transcript NM_004656.4 (MANE Select); coding-DNA position 1057, A replaced by G.
Protein change: p.Ile353Val; replaces isoleucine 353 with valine.
Molecular consequence: missense variant.
Genome position (GRCh38, 1-based): chr3:52,405,169, T>C on the plus strand (A>G on the coding strand, the complement: BAP1 is on the minus strand). VCF-style: chr3-52405169-T-C. GRCh37 (hg19) VCF-style: chr3-52439185-T-C.
Other names: short protein forms I353V.
Identifiers: ClinVar variation 848981 (VCV000848981.15), dbSNP rs1454672768, ClinGen allele CA353105685.